The following is an entry in ClinVar:

NM_033028.5(BBS4):c.1347C>T (p.Thr449=)

Gene: BBS4 (Bardet-Biedl syndrome 4; plus strand). Cytogenetic location: 15q24.1.
Variant type: single nucleotide variant.
Coding change: c.1347C>T on transcript NM_033028.5 (MANE Select); coding-DNA position 1347, C replaced by T.
Protein change: p.Thr449=; no amino-acid change (threonine 449 retained).
Molecular consequence: synonymous variant. On other transcripts: non-coding transcript variant (2).
Genome position (GRCh38, 1-based): chr15:72,736,860, C>T. VCF-style: chr15-72736860-C-T. GRCh37 (hg19) VCF-style: chr15-73029201-C-T.
Other names: c.831C>T, p.Thr277= (NM_001252678.2); c.1278C>T, p.Thr426= (NM_001320665.2); c.1347C>T (NM_033028.4).
Identifiers: ClinVar variation 1595740 (VCV001595740.9), dbSNP rs779876012, ClinGen allele CA272646556.

ClinVar aggregate classification (germline): Likely benign. Review status: criteria provided, multiple submitters, no conflicts (2 of 4 stars). 2 submissions from 2 submitters: Likely benign (2). Last evaluated 2025-03-05.

Conditions:
Bardet-Biedl syndrome (BBS). Identifiers: Orphanet 110, MedGen C0752166, MONDO:0015229.
BBS4-related disorder. Also called: BBS4-related condition.

gnomAD v4.1: 1 of 1,614,176 alleles (0.000062%); highest among the groups gnomAD compares: Non-Finnish European, 0.000085%; no homozygotes.

Submissions (2):

PreventionGenetics, part of Exact Sciences
Classification: Likely benign for BBS4-related condition. Last evaluated: 2025-03-05. Review status: criteria provided, single submitter. Criteria: ACMG Guidelines, 2015. Collection method: clinical testing. Allele origin: germline.
Comment: This variant is classified as likely benign based on ACMG/AMP sequence variant interpretation guidelines (Richards et al. 2015 PMID: 25741868, with internal and published modifications).

Labcorp Genetics (formerly Invitae), Labcorp
Classification: Likely benign for Bardet-Biedl syndrome. Last evaluated: 2024-01-12. Review status: criteria provided, single submitter. Criteria: Invitae Variant Classification Sherloc (09022015). Collection method: clinical testing. Allele origin: germline.